The following is an entry in ClinVar:

NM_032122.5(DTNBP1):c.991G>A (p.Ala331Thr)

Gene: DTNBP1 (dystrobrevin binding protein 1; minus strand). Cytogenetic location: 6p22.3.
Variant type: single nucleotide variant.
Coding change: c.991G>A on transcript NM_032122.5 (MANE Select); coding-DNA position 991, G replaced by A.
Protein change: p.Ala331Thr; replaces alanine 331 with threonine.
Molecular consequence: missense variant.
Genome position (GRCh38, 1-based): chr6:15,523,040, C>T on the plus strand (G>A on the coding strand, the complement: DTNBP1 is on the minus strand). VCF-style: chr6-15523040-C-T. GRCh37 (hg19) VCF-style: chr6-15523271-C-T.
Other names: c.748G>A, p.Ala250Thr (NM_001271667.2); c.940G>A, p.Ala314Thr (NM_001271668.2); c.886G>A, p.Ala296Thr (NM_001271669.2); short protein forms A331T, A250T, A296T, A314T.
Identifiers: ClinVar variation 1405435 (VCV001405435.5), dbSNP rs554829678, ClinGen allele CA3643660.

ClinVar aggregate classification (germline): Uncertain significance (1 of 4 stars; one submission).

Allele frequency attached by ClinVar (database versions not stated): gnomAD 0.00001; gnomAD exomes 0.00012; ExAC 0.00017; 1000 Genomes Project 0.00020; 1000 Genomes Project 30x 0.00031.
gnomAD v4.1: 63 of 1,614,222 alleles (0.0039%); highest among the groups gnomAD compares: South Asian, 0.066%; no homozygotes.

Submission:

Labcorp Genetics (formerly Invitae), Labcorp
Classification: Uncertain significance. Last evaluated: 2021-08-20. Review status: criteria provided, single submitter. Criteria: Invitae Variant Classification Sherloc (09022015). Collection method: clinical testing. Allele origin: germline.
Comment: This sequence change replaces alanine with threonine at codon 331 of the DTNBP1 protein (p.Ala331Thr). The alanine residue is highly conserved and there is a small physicochemical difference between alanine and threonine. This variant is present in population databases (rs554829678, ExAC 0.1%). This variant has not been reported in the literature in individuals affected with DTNBP1-related conditions. Algorithms developed to predict the effect of missense changes on protein structure and function are either unavailable or do not agree on the potential impact of this missense change (SIFT: "Tolerated"; PolyPhen-2: "Possibly Damaging"; Align-GVGD: "Class C0"). In summary, the available evidence is currently insufficient to determine the role of this variant in disease. Therefore, it has been classified as a Variant of Uncertain Significance.